The following is an entry in ClinVar:

ClinVar aggregate classification (germline): Uncertain significance (1 of 4 stars; one submission).

Allele frequency attached by ClinVar (database versions not stated): gnomAD exomes below 0.00001; TOPMed 0.00001.
gnomAD v4.1: 9 of 1,613,902 alleles (0.00056%); highest among the groups gnomAD compares: Non-Finnish European, 0.00068%; no homozygotes.

Submission:

Labcorp Genetics (formerly Invitae), Labcorp
Classification: Uncertain significance. Last evaluated: 2022-02-03. Review status: criteria provided, single submitter. Criteria: Invitae Variant Classification Sherloc (09022015). Collection method: clinical testing. Allele origin: germline.
Comment: In summary, the available evidence is currently insufficient to determine the role of this variant in disease. Therefore, it has been classified as a Variant of Uncertain Significance. Algorithms developed to predict the effect of missense changes on protein structure and function are either unavailable or do not agree on the potential impact of this missense change (SIFT: "Deleterious"; PolyPhen-2: "Probably Damaging"; Align-GVGD: "Class C15"). This variant has not been reported in the literature in individuals affected with VCAN-related conditions. This variant is not present in population databases (gnomAD no frequency). This sequence change replaces asparagine, which is neutral and polar, with isoleucine, which is neutral and non-polar, at codon 3138 of the VCAN protein (p.Asn3138Ile).

NM_004385.5(VCAN):c.9413A>T (p.Asn3138Ile)

Genes: VCAN (versican; plus strand), VCAN-AS1 (VCAN antisense RNA 1; minus strand). Cytogenetic location: 5q14.3.
Variant type: single nucleotide variant.
Coding change: c.9413A>T on transcript NM_004385.5 (MANE Select); coding-DNA position 9413, A replaced by T.
Protein change: p.Asn3138Ile; replaces asparagine 3138 with isoleucine.
Molecular consequence: missense variant.
Genome position (GRCh38, 1-based): chr5:83,548,004, A>T. VCF-style: chr5-83548004-A-T. GRCh37 (hg19) VCF-style: chr5-82843823-A-T.
Other names: c.1190A>T, p.Asn397Ile (NM_001126336.3); c.6452A>T, p.Asn2151Ile (NM_001164097.2); c.4151A>T, p.Asn1384Ile (NM_001164098.2); short protein forms N2151I, N1384I, N3138I, N397I.
Identifiers: ClinVar variation 2148138 (VCV002148138.4), dbSNP rs1470042735, ClinGen allele CA360296941.